The following is an entry in ClinVar:

NC_000005.10:g.(?_132368084)_(132370375_?)del

Gene: SLC22A5 (solute carrier family 22 member 5; plus strand). Cytogenetic location: 5q31.1.
Variant type: Deletion.
Identifiers: ClinVar variation 833197 (VCV000833197.5).

ClinVar aggregate classification (germline): Pathogenic (1 of 4 stars; one submission).

Conditions:
Renal carnitine transport defect (CDSP). Also called: Primary carnitine deficiency; CARNITINE DEFICIENCY, SYSTEMIC, DUE TO DEFECT IN RENAL REABSORPTION OF CARNITINE; CARNITINE TRANSPORTER, PLASMA-MEMBRANE, DEFICIENCY OF; CARNITINE UPTAKE DEFECT; Systemic primary carnitine deficiency disease; Carnitine transporter deficiency. Identifiers: Orphanet 158, MedGen C0342788, MONDO:0008919, OMIM 212140.

Submission:

Labcorp Genetics (formerly Invitae), Labcorp
Classification: Pathogenic for Renal carnitine transport defect. Last evaluated: 2022-03-19. Review status: criteria provided, single submitter. Criteria: Invitae Variant Classification Sherloc (09022015). Collection method: clinical testing. Allele origin: germline.
Comment: This variant is a gross deletion of the genomic region encompassing exon(s) 1 of the SLC22A5 gene, which includes the initiator codon. This deletion extends beyond the assayed region for this gene and therefore may encompass additional genes. It is expected to result in an absent or disrupted protein product. Loss-of-function variants in SLC22A5 are known to be pathogenic (PMID: 9916797). This variant has not been reported in the literature in individuals affected with SLC22A5-related conditions. For these reasons, this variant has been classified as Pathogenic.

Literature cited by the submitters: PubMed 9916797.